The following is an entry in ClinVar:

NM_004369.4(COL6A3):c.6528C>T (p.Leu2176=)

Gene: COL6A3 (collagen type VI alpha 3 chain; minus strand). Cytogenetic location: 2q37.3.
Variant type: single nucleotide variant.
Coding change: c.6528C>T on transcript NM_004369.4 (MANE Select); coding-DNA position 6528, C replaced by T.
Protein change: p.Leu2176=; no amino-acid change (leucine 2176 retained).
Molecular consequence: synonymous variant.
Genome position (GRCh38, 1-based): chr2:237,357,826, G>A on the plus strand (C>T on the coding strand, the complement: COL6A3 is on the minus strand). VCF-style: chr2-237357826-G-A. GRCh37 (hg19) VCF-style: chr2-238266469-G-A.
Other names: c.4707C>T, p.Leu1569= (NM_057166.5); c.5910C>T, p.Leu1970= (NM_057167.4).
Identifiers: ClinVar variation 543016 (VCV000543016.36), dbSNP rs560225578, ClinGen allele CA2188244.

ClinVar aggregate classification (germline): Likely benign. Review status: criteria provided, multiple submitters, no conflicts (2 of 4 stars). 2 submissions from 2 submitters: Likely benign (2). Last evaluated 2026-01-27.

Conditions:
Bethlem myopathy 1A. Also called: MYOPATHY, BENIGN CONGENITAL, WITH CONTRACTURES; Bethlem myopathy 1; Bethlem Muscular Dystrophy. Identifiers: Orphanet 610, MedGen CN029274, MONDO:0024530, OMIM 158810.

Allele frequency attached by ClinVar (database versions not stated): ExAC 0.00002; gnomAD 0.00002; TOPMed 0.00002; 1000 Genomes Project 30x 0.00016; 1000 Genomes Project 0.00020.
gnomAD v4.1: 33 of 1,614,080 alleles (0.002%); highest among the groups gnomAD compares: African/African-American, 0.0067%; no homozygotes.

Submissions (2):

Labcorp Genetics (formerly Invitae), Labcorp
Classification: Likely benign for Bethlem myopathy 1A. Last evaluated: 2026-01-27. Review status: criteria provided, single submitter. Criteria: Invitae Variant Classification Sherloc (09022015). Collection method: clinical testing. Allele origin: germline.

CeGaT Center for Human Genetics Tuebingen
Classification: Likely benign. Last evaluated: 2022-08-01. Review status: criteria provided, single submitter. Criteria: CeGaT Center For Human Genetics Tuebingen Variant Classification Criteria Version 2. Collection method: clinical testing. Allele origin: germline. Affected: yes. Observed: 1 variant allele.
Comment: COL6A3: BP4, BP7